The following is an entry in ClinVar:

ClinVar aggregate classification (germline): Likely benign (1 of 4 stars; one submission).

Submission:

CeGaT Center for Human Genetics Tuebingen
Classification: Likely benign. Last evaluated: 2026-05-01. Review status: criteria provided, single submitter. Criteria: CeGaT Center For Human Genetics Tuebingen Variant Classification Criteria Version 2. Collection method: clinical testing. Allele origin: germline. Affected: yes. Observed: 1 variant allele.
Comment: KMT2B: PM2:Supporting, BP4, BP7

NM_014727.3(KMT2B):c.2739C>A (p.Ser913=)

Gene: KMT2B (lysine methyltransferase 2B; plus strand). Cytogenetic location: 19q13.12.
Variant type: single nucleotide variant.
Coding change: c.2739C>A on transcript NM_014727.3 (MANE Select); coding-DNA position 2739, C replaced by A.
Protein change: p.Ser913=; no amino-acid change (serine 913 retained).
Molecular consequence: synonymous variant.
Genome position (GRCh38, 1-based): chr19:35,723,011, C>A. VCF-style: chr19-35723011-C-A. GRCh37 (hg19) VCF-style: chr19-36213913-C-A.
Identifiers: ClinVar variation 4873968 (VCV004873968.2).